The following is an entry in ClinVar:

NM_000455.5(STK11):c.288G>A (p.Lys96=)

Gene: STK11 (serine/threonine kinase 11; plus strand). Cytogenetic location: 19p13.3.
Variant type: single nucleotide variant.
Coding change: c.288G>A on transcript NM_000455.5 (MANE Select); coding-DNA position 288, G replaced by A.
Protein change: p.Lys96=; no amino-acid change (lysine 96 retained).
Molecular consequence: synonymous variant.
Genome position (GRCh38, 1-based): chr19:1,207,201, G>A. VCF-style: chr19-1207201-G-A. GRCh37 (hg19) VCF-style: chr19-1207200-G-A.
Identifiers: ClinVar variation 821946 (VCV000821946.17), dbSNP rs1599915310, ClinGen allele CA504706345.
Genomic context (GRCh38, chr19:1,207,201, plus strand): 5'-CGTCAAGATCCTCAAGAAGAAGAAGTTGCGAAGGATCCCCAACGGGGAGGCCAACGTGAA[G>A]AAGTAAGTATGGCTTGCTGGGGTCGGGGCCGGGCCGGGCCAGTCACGGTGCTGATGGTTC-3'
Protein context (NP_000446.1, residues 86-106): RRIPNGEANV[Lys96=]KEIQLLRRLR

ClinVar aggregate classification (germline): Benign/Likely benign. Review status: criteria provided, multiple submitters, no conflicts (2 of 4 stars). 5 submissions from 5 submitters: Benign (1); Likely benign (4). Last evaluated 2025-03-25.

Conditions:
Hereditary cancer-predisposing syndrome. Also called: Hereditary Cancer Syndrome; Neoplastic Syndromes, Hereditary; Hereditary neoplastic syndrome; Tumor predisposition. Identifiers: Orphanet 140162, MedGen C0027672, MeSH D009386, MONDO:0015356.
Peutz-Jeghers syndrome (PJS). Also called: Peutz-Jeghers polyposis; Periorificial lentiginosis syndrome; POLYPOSIS, HAMARTOMATOUS INTESTINAL; POLYPS-AND-SPOTS SYNDROME. Identifiers: Orphanet 2869, MedGen C0031269, MeSH D010580, MONDO:0008280, OMIM 175200.

Allele frequency attached by ClinVar (database versions not stated): gnomAD exomes below 0.00001; TOPMed below 0.00001.
gnomAD v4.1: 2 of 1,601,692 alleles (0.00012%); highest among the groups gnomAD compares: Non-Finnish European, 0.00017%; no homozygotes.

Submissions (5):

Myriad Genetics, Inc.
Classification: Benign for Peutz-Jeghers syndrome. Last evaluated: 2025-03-25. Review status: criteria provided, single submitter. Criteria: Myriad Autosomal Dominant, Autosomal Recessive and X-Linked Classification Criteria (2023). Collection method: clinical testing. Allele origin: unknown.
Comment: This variant is considered benign. This variant is a silent/synonymous amino acid change and it is not expected to impact splicing.

Labcorp Genetics (formerly Invitae), Labcorp
Classification: Likely benign for Peutz-Jeghers syndrome. Last evaluated: 2025-01-11. Review status: criteria provided, single submitter. Criteria: Invitae Variant Classification Sherloc (09022015). Collection method: clinical testing. Allele origin: germline.

All of Us Research Program, National Institutes of Health
Classification: Likely benign for Peutz-Jeghers syndrome. Last evaluated: 2023-11-02. Review status: criteria provided, single submitter. Criteria: ACMG Guidelines, 2015. Collection method: clinical testing. Allele origin: germline. Inheritance: Autosomal dominant inheritance. Observed: 1 variant allele, 1 heterozygote.
Comment: This study involves interpretation of variants in research participants for the purpose of population health screening. Participant phenotype was not available at the time of variant classification. Additional details can be found in publication PMID: 35346344, PMCID: PMC8962531

Color Diagnostics, LLC DBA Color Health
Classification: Likely benign for Hereditary cancer-predisposing syndrome. Last evaluated: 2019-03-18. Review status: criteria provided, single submitter. Criteria: ACMG Guidelines, 2015. Collection method: clinical testing. Allele origin: germline.

Ambry Genetics
Classification: Likely benign for Hereditary cancer-predisposing syndrome. Last evaluated: 2019-01-18. Review status: criteria provided, single submitter. Criteria: Ambry Variant Classification Scheme 2023. Collection method: clinical testing. Allele origin: germline.